The following is an entry in ClinVar:

ClinVar aggregate classification (germline): Conflicting classifications of pathogenicity. Review status: criteria provided, conflicting classifications (1 of 4 stars). 5 submissions from 5 submitters: Uncertain significance (3); Likely benign (2). Last evaluated 2025-12-16.

Conditions:
Inborn genetic diseases. Identifiers: MedGen C0950123, MeSH D030342.
MAGEL2-related disorder. Also called: MAGEL2-related condition.

Allele frequency attached by ClinVar (database versions not stated): gnomAD exomes 0.00004; gnomAD 0.00005; TOPMed 0.00005.
gnomAD v4.1: 57 of 1,340,684 alleles (0.0043%); highest among the groups gnomAD compares: Middle Eastern, 0.083%; no homozygotes.

Submissions (5):

Labcorp Genetics (formerly Invitae), Labcorp
Classification: Uncertain significance. Last evaluated: 2025-12-16. Review status: criteria provided, single submitter. Criteria: Invitae Variant Classification Sherloc (09022015). Collection method: clinical testing. Allele origin: germline.
Comment: This sequence change replaces proline, which is neutral and non-polar, with leucine, which is neutral and non-polar, at codon 512 of the MAGEL2 protein (p.Pro512Leu). This variant is present in population databases (no rsID available, gnomAD 0.02%). This variant has not been reported in the literature in individuals affected with MAGEL2-related conditions. ClinVar contains an entry for this variant (Variation ID: 286133). Invitae Evidence Modeling of protein sequence and biophysical properties (such as structural, functional, and spatial information, amino acid conservation, physicochemical variation, residue mobility, and thermodynamic stability) indicates that this missense variant is not expected to disrupt MAGEL2 protein function with a negative predictive value of 80%. In summary, the available evidence is currently insufficient to determine the role of this variant in disease. Therefore, it has been classified as a Variant of Uncertain Significance.

PreventionGenetics, part of Exact Sciences
Classification: Likely benign for MAGEL2-related condition. Last evaluated: 2025-07-29. Review status: criteria provided, single submitter. Criteria: ACMG Guidelines, 2015. Collection method: clinical testing. Allele origin: germline.
Comment: This variant is classified as likely benign based on ACMG/AMP sequence variant interpretation guidelines (Richards et al. 2015 PMID: 25741868, with internal and published modifications).

Blueprint Genetics
Classification: Likely benign. Last evaluated: 2024-11-21. Review status: criteria provided, single submitter. Criteria: ACMG Guidelines, 2015. Collection method: clinical testing. Allele origin: germline.

Ambry Genetics
Classification: Uncertain significance for Inborn genetic diseases. Last evaluated: 2022-05-09. Review status: criteria provided, single submitter. Criteria: Ambry Variant Classification Scheme 2023. Collection method: clinical testing. Allele origin: germline.

Eurofins Ntd Llc (ga)
Classification: Uncertain significance. Last evaluated: 2016-02-26. Review status: criteria provided, single submitter. Criteria: EGL Classification Definitions 2015. Collection method: clinical testing. Allele origin: germline. Observed: 1 variant allele, 1 heterozygote.

NM_019066.5(MAGEL2):c.1535C>T (p.Pro512Leu)

Gene: MAGEL2 (MAGE family member L2; minus strand). Cytogenetic location: 15q11.2.
Variant type: single nucleotide variant.
Coding change: c.1535C>T on transcript NM_019066.5 (MANE Select); coding-DNA position 1535, C replaced by T.
Protein change: p.Pro512Leu; replaces proline 512 with leucine.
Molecular consequence: missense variant.
Genome position (GRCh38, 1-based): chr15:23,646,208, G>A on the plus strand (C>T on the coding strand, the complement: MAGEL2 is on the minus strand). VCF-style: chr15-23646208-G-A. GRCh37 (hg19) VCF-style: chr15-23891355-G-A.
Other names: c.1535C>T (NM_019066.4); short protein forms P512L.
Identifiers: ClinVar variation 286133 (VCV000286133.13), dbSNP rs886043318, ClinGen allele CA10605371.